The following is an entry in ClinVar:

NM_022124.6(CDH23):c.330C>T (p.His110=)

Genes: CDH23 (cadherin related 23; plus strand), CDH23-AS1 (CDH23 antisense RNA 1; minus strand). Cytogenetic location: 10q22.1.
Variant type: single nucleotide variant.
Coding change: c.330C>T on transcript NM_022124.6 (MANE Select); coding-DNA position 330, C replaced by T.
Protein change: p.His110=; no amino-acid change (histidine 110 retained).
Molecular consequence: synonymous variant.
Genome position (GRCh38, 1-based): chr10:71,510,995, C>T. VCF-style: chr10-71510995-C-T. GRCh37 (hg19) VCF-style: chr10-73270752-C-T.
Other names: p.His110=; c.330C>T, p.His110= (NM_001171930.2, NM_001171931.2, NM_001171932.2 and 1 more transcripts).
Identifiers: ClinVar variation 499918 (VCV000499918.22), dbSNP rs201232514, ClinGen allele CA5543376.

ClinVar aggregate classification (germline): Conflicting classifications of pathogenicity. Review status: criteria provided, conflicting classifications (1 of 4 stars). 7 submissions from 7 submitters: Uncertain significance (1); Benign (1); Likely benign (3). 2 of the submissions do not count toward it. Last evaluated 2026-01-22.

Conditions:
CDH23-related disorder. Also called: CDH23-related condition; CDH23-related disorders.
Usher syndrome type 1 (USH1). Also called: RETINITIS PIGMENTOSA AND CONGENITAL DEAFNESS. Identifiers: Orphanet 231169, Orphanet 886, MedGen C1568247, MONDO:0010168, OMIM 276900.

Allele frequency attached by ClinVar (database versions not stated): gnomAD 0.00005; 1000 Genomes Project 0.00020; gnomAD exomes 0.00021 and 0.00048; TOPMed 0.00024; 1000 Genomes Project 30x 0.00031; ExAC 0.00037.
gnomAD v4.1: 133 of 1,613,888 alleles (0.0082%); highest among the groups gnomAD compares: Admixed American, 0.22%; no homozygotes.

Submissions (7):

Labcorp Genetics (formerly Invitae), Labcorp
Classification: Benign. Last evaluated: 2026-01-22. Review status: criteria provided, single submitter. Criteria: Invitae Variant Classification Sherloc (09022015). Collection method: clinical testing. Allele origin: germline.

Mayo Clinic Laboratories, Mayo Clinic
Classification: Likely benign. Last evaluated: 2024-11-06. Review status: criteria provided, single submitter. Criteria: ACMG Guidelines, 2015. Collection method: clinical testing. Allele origin: germline. Observed: 1 variant allele.
Comment: BS1, BP4, BP7

Blueprint Genetics
Classification: Likely benign. Last evaluated: 2022-10-25. Review status: criteria provided, single submitter. Criteria: ACMG Guidelines, 2015. Collection method: clinical testing. Allele origin: germline.

GeneDx
Classification: Likely benign. Last evaluated: 2020-08-07. Review status: criteria provided, single submitter. Criteria: GeneDx Variant Classification Process June 2021. Collection method: clinical testing. Allele origin: germline. Affected: yes.

Eurofins Ntd Llc (ga)
Classification: Uncertain significance. Last evaluated: 2017-01-26. Review status: criteria provided, single submitter. Criteria: EGL Classification Definitions 2015. Collection method: clinical testing. Allele origin: germline. Observed: 1 variant allele, 1 heterozygote.

Natera, Inc.
Classification: Likely benign for Usher syndrome type 1. Last evaluated: 2020-05-13. Review status: no assertion criteria provided. Collection method: clinical testing. Allele origin: germline. Not counted in ClinVar's aggregate classification.

PreventionGenetics, part of Exact Sciences
Classification: Likely benign for CDH23-related condition. Last evaluated: 2019-11-18. Review status: no assertion criteria provided. Collection method: clinical testing. Allele origin: germline. Not counted in ClinVar's aggregate classification.
Comment: This variant is classified as likely benign based on ACMG/AMP sequence variant interpretation guidelines (Richards et al. 2015 PMID: 25741868, with internal and published modifications).